The following is an entry in ClinVar:

NM_001385.3(DPYS):c.391C>T (p.Leu131Phe)

Gene: DPYS (dihydropyrimidinase; minus strand). Cytogenetic location: 8q22.3.
Variant type: single nucleotide variant.
Coding change: c.391C>T on transcript NM_001385.3 (MANE Select); coding-DNA position 391, C replaced by T.
Protein change: p.Leu131Phe; replaces leucine 131 with phenylalanine.
Molecular consequence: missense variant.
Genome position (GRCh38, 1-based): chr8:104,451,278, G>A on the plus strand (C>T on the coding strand, the complement: DPYS is on the minus strand). VCF-style: chr8-104451278-G-A. GRCh37 (hg19) VCF-style: chr8-105463506-G-A.
Other names: short protein forms L131F.
Identifiers: ClinVar variation 1945734 (VCV001945734.2), dbSNP rs759041384, ClinGen allele CA4838587.

ClinVar aggregate classification (germline): Uncertain significance (1 of 4 stars; one submission).

Allele frequency attached by ClinVar (database versions not stated): TOPMed below 0.00001; gnomAD exomes 0.00001; ExAC 0.00002.
gnomAD v4.1: 7 of 1,614,134 alleles (0.00043%); highest among the groups gnomAD compares: Admixed American, 0.012%; no homozygotes.

Submission:

Labcorp Genetics (formerly Invitae), Labcorp
Classification: Uncertain significance. Last evaluated: 2022-06-17. Review status: criteria provided, single submitter. Criteria: Invitae Variant Classification Sherloc (09022015). Collection method: clinical testing. Allele origin: germline.
Comment: This sequence change replaces leucine, which is neutral and non-polar, with phenylalanine, which is neutral and non-polar, at codon 131 of the DPYS protein (p.Leu131Phe). This variant is present in population databases (rs759041384, gnomAD 0.01%). This variant has not been reported in the literature in individuals affected with DPYS-related conditions. Algorithms developed to predict the effect of missense changes on protein structure and function are either unavailable or do not agree on the potential impact of this missense change (SIFT: "Deleterious"; PolyPhen-2: "Probably Damaging"; Align-GVGD: "Class C15"). In summary, the available evidence is currently insufficient to determine the role of this variant in disease. Therefore, it has been classified as a Variant of Uncertain Significance.